The following is an entry in ClinVar:

ClinVar aggregate classification (germline): Uncertain significance (1 of 4 stars; one submission).

gnomAD v4.1: 9 of 1,613,154 alleles (0.00056%); highest among the groups gnomAD compares: Non-Finnish European, 0.00068%; no homozygotes.

Submission:

Labcorp Genetics (formerly Invitae), Labcorp
Classification: Uncertain significance. Last evaluated: 2018-11-22. Review status: criteria provided, single submitter. Criteria: Invitae Variant Classification Sherloc (09022015). Collection method: clinical testing. Allele origin: germline.
Comment: This sequence change replaces arginine with proline at codon 2677 of the SZT2 protein (p.Arg2677Pro). The arginine residue is highly conserved and there is a moderate physicochemical difference between arginine and proline. This variant is not present in population databases (ExAC no frequency). This variant has not been reported in the literature in individuals with SZT2-related conditions. Algorithms developed to predict the effect of missense changes on protein structure and function (SIFT, PolyPhen-2, Align-GVGD) all suggest that this variant is likely to be disruptive, but these predictions have not been confirmed by published functional studies and their clinical significance is uncertain. In summary, the available evidence is currently insufficient to determine the role of this variant in disease. Therefore, it has been classified as a Variant of Uncertain Significance.

NM_001365999.1(SZT2):c.8201G>C (p.Arg2734Pro)

Gene: SZT2 (SZT2 subunit of KICSTOR complex; plus strand). Cytogenetic location: 1p34.2.
Variant type: single nucleotide variant.
Coding change: c.8201G>C on transcript NM_001365999.1 (MANE Select); coding-DNA position 8201, G replaced by C.
Protein change: p.Arg2734Pro; replaces arginine 2734 with proline.
Molecular consequence: missense variant.
Genome position (GRCh38, 1-based): chr1:43,442,868, G>C. VCF-style: chr1-43442868-G-C. GRCh37 (hg19) VCF-style: chr1-43908539-G-C.
Other names: c.8030G>C, p.Arg2677Pro (NM_015284.4); short protein forms R2677P, R2734P.
Identifiers: ClinVar variation 641994 (VCV000641994.8), dbSNP rs370164213, ClinGen allele CA340038097.